The following is an entry in ClinVar:

NM_002291.3(LAMB1):c.895A>G (p.Met299Val)

Gene: LAMB1 (laminin subunit beta 1; minus strand). Cytogenetic location: 7q31.1.
Variant type: single nucleotide variant.
Coding change: c.895A>G on transcript NM_002291.3 (MANE Select); coding-DNA position 895, A replaced by G.
Protein change: p.Met299Val; replaces methionine 299 with valine.
Molecular consequence: missense variant.
Genome position (GRCh38, 1-based): chr7:107,978,152, T>C on the plus strand (A>G on the coding strand, the complement: LAMB1 is on the minus strand). VCF-style: chr7-107978152-T-C. GRCh37 (hg19) VCF-style: chr7-107618597-T-C.
Other names: short protein forms M299V.
Identifiers: ClinVar variation 4768038 (VCV004768038.1).
Genomic context (GRCh38, chr7:107,978,152, plus strand): 5'-AATCATGGTAGAAATCCATGCAGAGTTCACAGTTTAAGCCCTTGGTGTTATGCCTGCACA[T>C]GCAGTGTCCGTGAACCTTGAAAGTTATAAAAACAGGAGAGAACAAAGGAAGAGATGTATG-3'
Protein context (NP_002282.2, residues 289-309): EVEGMVHGHC[Met299Val]CRHNTKGLNC

ClinVar aggregate classification (germline): Uncertain significance (1 of 4 stars; one submission).

gnomAD v4.1: 3 of 1,614,036 alleles (0.00019%); highest among the groups gnomAD compares: African/African-American, 0.0013%; no homozygotes.

Submission:

Labcorp Genetics (formerly Invitae), Labcorp
Classification: Uncertain significance. Last evaluated: 2026-01-17. Review status: criteria provided, single submitter. Criteria: Invitae Variant Classification Sherloc (09022015). Collection method: clinical testing. Allele origin: germline.
Comment: This sequence change replaces methionine, which is neutral and non-polar, with valine, which is neutral and non-polar, at codon 299 of the LAMB1 protein (p.Met299Val). This variant is present in population databases (no rsID available, gnomAD 0.01%). This variant has not been reported in the literature in individuals affected with LAMB1-related conditions. An algorithm developed to predict the effect of missense changes on protein structure and function (PolyPhen-2) suggests that this variant is likely to be tolerated. In summary, the available evidence is currently insufficient to determine the role of this variant in disease. Therefore, it has been classified as a Variant of Uncertain Significance.